The following is an entry in ClinVar:

NM_001384900.1(SEMA3D):c.1821C>T (p.Asn607=)

Gene: SEMA3D (semaphorin 3D; minus strand). Cytogenetic location: 7q21.11.
Variant type: single nucleotide variant.
Coding change: c.1821C>T on transcript NM_001384900.1 (MANE Select); coding-DNA position 1821, C replaced by T.
Protein change: p.Asn607=; no amino-acid change (asparagine 607 retained).
Molecular consequence: synonymous variant.
Genome position (GRCh38, 1-based): chr7:85,006,889, G>A on the plus strand (C>T on the coding strand, the complement: SEMA3D is on the minus strand). VCF-style: chr7-85006889-G-A. GRCh37 (hg19) VCF-style: chr7-84636205-G-A.
Other names: c.1821C>T, p.Asn607= (NM_001384901.1, NM_001384902.1, NM_001384903.1 and 1 more transcripts).
Identifiers: ClinVar variation 3348285 (VCV003348285.1).

ClinVar aggregate classification (germline): Likely benign (0 of 4 stars; one submission).

Conditions:
SEMA3D-related disorder. Also called: SEMA3D-related condition.

Submission:

PreventionGenetics, part of Exact Sciences
Classification: Likely benign for SEMA3D-related condition. Last evaluated: 2024-04-18. Review status: no assertion criteria provided. Collection method: clinical testing. Allele origin: germline.
Comment: This variant is classified as likely benign based on ACMG/AMP sequence variant interpretation guidelines (Richards et al. 2015 PMID: 25741868, with internal and published modifications).